The following is an entry in ClinVar:

NM_004356.4(CD81):c.551A>G (p.Asn184Ser)

Gene: CD81 (CD81 molecule; plus strand). Cytogenetic location: 11p15.5.
Variant type: single nucleotide variant.
Coding change: c.551A>G on transcript NM_004356.4 (MANE Select); coding-DNA position 551, A replaced by G.
Protein change: p.Asn184Ser; replaces asparagine 184 with serine.
Molecular consequence: missense variant.
Genome position (GRCh38, 1-based): chr11:2,395,960, A>G. VCF-style: chr11-2395960-A-G. GRCh37 (hg19) VCF-style: chr11-2417190-A-G.
Other names: c.338A>G, p.Asn113Ser (NM_001297649.2, NM_001425129.1, NM_001425130.1 and 4 more transcripts); c.674A>G, p.Asn225Ser (NM_001425135.1); c.551A>G, p.Asn184Ser (NM_001425137.1); short protein forms N113S, N184S, N225S.
Identifiers: ClinVar variation 3693721 (VCV003693721.2).

ClinVar aggregate classification (germline): Uncertain significance (1 of 4 stars; one submission).

gnomAD v4.1: 2 of 1,609,526 alleles (0.00012%); highest among the groups gnomAD compares: East Asian, 0.0022%; no homozygotes.

Submission:

Labcorp Genetics (formerly Invitae), Labcorp
Classification: Uncertain significance. Last evaluated: 2024-12-05. Review status: criteria provided, single submitter. Criteria: Invitae Variant Classification Sherloc (09022015). Collection method: clinical testing. Allele origin: germline.
Comment: This sequence change replaces asparagine, which is neutral and polar, with serine, which is neutral and polar, at codon 184 of the CD81 protein (p.Asn184Ser). This variant is present in population databases (no rsID available, gnomAD 0.06%). This variant has not been reported in the literature in individuals affected with CD81-related conditions. An algorithm developed to predict the effect of missense changes on protein structure and function outputs the following: PolyPhen-2: "Benign". The serine amino acid residue is found in multiple mammalian species, which suggests that this missense change does not adversely affect protein function. In summary, the available evidence is currently insufficient to determine the role of this variant in disease. Therefore, it has been classified as a Variant of Uncertain Significance.